The following is an entry in ClinVar:

NM_014874.4(MFN2):c.1301T>A (p.Met434Lys)

Gene: MFN2 (mitofusin 2; plus strand). Cytogenetic location: 1p36.22.
Variant type: single nucleotide variant.
Coding change: c.1301T>A on transcript NM_014874.4 (MANE Select); coding-DNA position 1301, T replaced by A.
Protein change: p.Met434Lys; replaces methionine 434 with lysine.
Molecular consequence: missense variant.
Genome position (GRCh38, 1-based): chr1:12,004,522, T>A. VCF-style: chr1-12004522-T-A. GRCh37 (hg19) VCF-style: chr1-12064579-T-A.
Other names: c.1301T>A, p.Met434Lys (NM_001127660.2); short protein forms M434K.
Identifiers: ClinVar variation 2066606 (VCV002066606.4), dbSNP rs2523076811, ClinGen allele CA338445869.

ClinVar aggregate classification (germline): Uncertain significance (1 of 4 stars; one submission).

Conditions:
Charcot-Marie-Tooth disease type 2. Also called: Charcot-Marie-Tooth type 2. Identifiers: Orphanet 64746, MedGen C0270914, MONDO:0018993.

Submission:

Labcorp Genetics (formerly Invitae), Labcorp
Classification: Uncertain significance for Charcot-Marie-Tooth disease type 2. Last evaluated: 2022-02-04. Review status: criteria provided, single submitter. Criteria: Invitae Variant Classification Sherloc (09022015). Collection method: clinical testing. Allele origin: germline.
Comment: In summary, the available evidence is currently insufficient to determine the role of this variant in disease. Therefore, it has been classified as a Variant of Uncertain Significance. Advanced modeling of protein sequence and biophysical properties (such as structural, functional, and spatial information, amino acid conservation, physicochemical variation, residue mobility, and thermodynamic stability) performed at Invitae indicates that this missense variant is expected to disrupt MFN2 protein function. This variant has not been reported in the literature in individuals affected with MFN2-related conditions. This variant is not present in population databases (gnomAD no frequency). This sequence change replaces methionine, which is neutral and non-polar, with lysine, which is basic and polar, at codon 434 of the MFN2 protein (p.Met434Lys).